The following is an entry in ClinVar:

ClinVar aggregate classification (germline): Pathogenic. Review status: reviewed by expert panel (3 of 4 stars). 6 submissions from 6 submitters: Pathogenic (1). 5 of the submissions do not count toward it. Last evaluated 2017-12-15.

Conditions:
Hereditary cancer-predisposing syndrome. Also called: Neoplastic Syndromes, Hereditary; Hereditary neoplastic syndrome; Hereditary Cancer Syndrome; Tumor predisposition. Identifiers: Orphanet 140162, MedGen C0027672, MeSH D009386, MONDO:0015356.
Breast-ovarian cancer, familial, susceptibility to, 1 (BROVCA1). Also called: BRCA1 Hereditary Breast and Ovarian Cancer; OVARIAN CANCER, SUSCEPTIBILITY TO. Identifiers: Orphanet 145, MedGen C2676676, MONDO:0011450, OMIM 604370. Disease mechanism: loss of function.
Familial cancer of breast. Also called: Hereditary breast cancer; BREAST CANCER, FAMILIAL; hereditary breast carcinoma. Identifiers: Orphanet 227535, MedGen C0346153, MONDO:0016419, OMIM 114480. Disease mechanism: loss of function.
Pancreatic cancer, susceptibility to, 4. Identifiers: Orphanet 1333, MedGen C3280442, MONDO:0013685, OMIM 614320.
Fanconi anemia, complementation group S (FANCS). Identifiers: MedGen C4554406, MONDO:0054748, OMIM 617883.
Hereditary breast ovarian cancer syndrome. Also called: Hereditary breast and ovarian cancer syndrome; Breast and ovarian cancer; Hereditary breast and ovarian cancer syndrome (HBOC); Hereditary breast and/or ovarian cancer syndrome; BRCA1- and BRCA2-Associated Hereditary Breast and Ovarian Cancer; Hereditary breast and ovarian cancer. Identifiers: Orphanet 145, MedGen C0677776, MeSH D061325, MONDO:0003582. Disease mechanism: loss of function.

Submissions (6):

Evidence-based Network for the Interpretation of Germline Mutant Alleles (ENIGMA)
Classification: Pathogenic for Breast-ovarian cancer, familial, susceptibility to, 1. Last evaluated: 2017-12-15. Review status: reviewed by expert panel. Criteria: ENIGMA BRCA1/2 Classification Criteria (2017-06-29). Collection method: curation. Allele origin: germline. Study: ENIGMA.
Comment: Variant allele predicted to encode a truncated non-functional protein.

Labcorp Genetics (formerly Invitae), Labcorp
Classification: Pathogenic for Hereditary breast ovarian cancer syndrome. Last evaluated: 2025-03-12. Review status: criteria provided, single submitter. Criteria: Invitae Variant Classification Sherloc (09022015). Collection method: clinical testing. Allele origin: germline. Not counted in ClinVar's aggregate classification.
Comment: This sequence change creates a premature translational stop signal (p.Thr249Leufs*49) in the BRCA1 gene. It is expected to result in an absent or disrupted protein product. Loss-of-function variants in BRCA1 are known to be pathogenic (PMID: 20104584). This variant is not present in population databases (gnomAD no frequency). This premature translational stop signal has been observed in individual(s) with breast cancer (PMID: 22160602). ClinVar contains an entry for this variant (Variation ID: 409361). For these reasons, this variant has been classified as Pathogenic.

Ambry Genetics
Classification: Pathogenic for Hereditary cancer-predisposing syndrome. Last evaluated: 2024-01-12. Review status: criteria provided, single submitter. Criteria: Ambry Variant Classification Scheme 2023. Collection method: clinical testing. Allele origin: germline. Not counted in ClinVar's aggregate classification.
Comment: The c.744delC pathogenic mutation, located in coding exon 9 of the BRCA1 gene, results from a deletion of one nucleotide at nucleotide position 744, causing a translational frameshift with a predicted alternate stop codon (p.T249Lfs*49). This alteration is expected to result in loss of function by premature protein truncation or nonsense-mediated mRNA decay. As such, this alteration is interpreted as a disease-causing mutation.

All of Us Research Program, National Institutes of Health
Classification: Pathogenic for Breast-ovarian cancer, familial, susceptibility to, 1. Last evaluated: 2023-12-07. Review status: criteria provided, single submitter. Criteria: ACMG Guidelines, 2015. Collection method: clinical testing. Allele origin: germline. Inheritance: Autosomal dominant inheritance. Observed: 1 variant allele, 1 heterozygote. Not counted in ClinVar's aggregate classification.
Comment: The c.744del (p.Thr249Leufs*49) variant of the BRCA1 gene creates an early stop codon. It is expected to result in an absent or disrupted protein product. This variant has been reported in one individual with breast and/or ovarian cancer and positive family history (PMID: 22160602). This variant has not been identified in the general population by the Genome Aggregation Database (gnomAD). Truncating variants in BRCA1 are known to be pathogenic (PMID: 21989022, 17661172, 22762150). Therefore, the c.744del (p.Thr249Leufs*49) variant of the BRCA1 gene is classified as pathogenic.

This study involves interpretation of variants in research participants for the purpose of population health screening. Participant phenotype was not available at the time of variant classification. Additional details can be found in publication PMID: 35346344, PMCID: PMC8962531

Fulgent Genetics
Classification: Pathogenic for Familial cancer of breast; Breast-ovarian cancer, familial, susceptibility to, 1; Pancreatic cancer, susceptibility to, 4; Fanconi anemia, complementation group S. Last evaluated: 2022-05-17. Review status: criteria provided, single submitter. Criteria: ACMG Guidelines, 2015. Collection method: clinical testing. Allele origin: unknown. Not counted in ClinVar's aggregate classification.

GeneDx
Classification: Pathogenic. Last evaluated: 2018-02-23. Review status: criteria provided, single submitter. Criteria: GeneDx Variant Classification (06012015). Collection method: clinical testing. Allele origin: germline. Affected: yes. Not counted in ClinVar's aggregate classification.
Comment: This deletion of one nucleotide in BRCA1 is denoted c.744delC at the cDNA level and p.Thr249LeufsX49 (T249LfsX49) at the protein level. Using alternate nomenclature, this variant would be defined as BRCA1 863delC or 862delC. The normal sequence, with the base that is deleted in brackets, is ACAC[delC]ACTG. The deletion causes a frameshift which changes a Threonine to a Leucine at codon 249, and creates a premature stop codon at position 49 of the new reading frame. This variant is predicted to cause loss of normal protein function through either protein truncation or nonsense-mediated mRNA decay. BRCA1 c.744delC has been observed in association with Hereditary Breast and Ovarian Cancer syndrome (Schneegans 2012). We consider this variant to be pathogenic.

Literature cited by the submitters: PubMed 20104584 (cited by Labcorp Genetics (formerly Invitae), Labcorp); PubMed 22160602 (cited by Labcorp Genetics (formerly Invitae), Labcorp and All of Us Research Program, National Institutes of Health); PubMed 17661172 (cited by All of Us Research Program, National Institutes of Health); PubMed 21989022 (cited by All of Us Research Program, National Institutes of Health); PubMed 22762150 (cited by All of Us Research Program, National Institutes of Health).

NM_007294.4(BRCA1):c.744del (p.Thr249fs)

Gene: BRCA1 (BRCA1 DNA repair associated; minus strand). Cytogenetic location: 17q21.31.
Variant type: Deletion.
Coding change: c.744del on transcript NM_007294.4 (MANE Select); coding-DNA position 744, one base deleted (C; older notation c.744delC).
Protein change: p.Thr249fs; shifts the reading frame from threonine 249.
Molecular consequence: frameshift variant. On other transcripts: non-coding transcript variant (1).
Genome position (GRCh38, 1-based): chr17:43,094,787, G deleted on the plus strand (C on the coding strand, the reverse complement: BRCA1 is on the minus strand); the first of 2 consecutive G bases (chr17:43,094,787-43,094,788); deleting either gives the same sequence. VCF-style (leftmost placement, unchanged base first): chr17-43094786-TG-T. GRCh37 (hg19) VCF-style: chr17-41246803-TG-T.
Other names: c.530delC, p.Thr178Leufs (NM_001407571.1, NM_001407853.1, NM_001407894.1 and 12 more transcripts); c.743delC, p.Thr249Leufs (NM_001407581.1, NM_001407582.1, NM_001407583.1 and 52 more transcripts); c.740delC, p.Thr248Leufs (NM_001407587.1, NM_001407590.1, NM_001407591.1 and 38 more transcripts); c.734delC, p.Thr246Leufs (NM_001407646.1, NM_001407647.1, NM_001408408.1); c.620delC, p.Thr208Leufs (NM_001407648.1, NM_001407664.1, NM_001407665.1 and 34 more transcripts); c.617delC, p.Thr207Leufs (NM_001407649.1, NM_001407670.1, NM_001407671.1 and 20 more transcripts); c.665delC, p.Thr223Leufs (NM_001407653.1, NM_001407654.1, NM_001407655.1 and 9 more transcripts); c.662delC, p.Thr222Leufs (NM_001407659.1, NM_001407660.1, NM_001407661.1 and 3 more transcripts); and 17 more; short protein forms T202fs, T249fs.
Identifiers: ClinVar variation 409361 (VCV000409361.53), dbSNP rs1060502360, ClinGen allele CA16615693.